The following is an entry in ClinVar:

NM_003467.3(CXCR4):c.29A>T (p.Asp10Val)

Gene: CXCR4 (C-X-C motif chemokine receptor 4; minus strand). Cytogenetic location: 2q22.1.
Variant type: single nucleotide variant.
Coding change: c.29A>T on transcript NM_003467.3 (MANE Select); coding-DNA position 29, A replaced by T.
Protein change: p.Asp10Val; replaces aspartic acid 10 with valine.
Molecular consequence: missense variant. On other transcripts: 5 prime UTR variant (1).
Genome position (GRCh38, 1-based): chr2:136,115,899, T>A on the plus strand (A>T on the coding strand, the complement: CXCR4 is on the minus strand). VCF-style: chr2-136115899-T-A. GRCh37 (hg19) VCF-style: chr2-136873469-T-A.
Other names: c.41A>T, p.Asp14Val (NM_001008540.2); c.242A>T, p.Asp81Val (NM_001348056.2); c.128A>T, p.Asp43Val (NM_001348059.2); c.-17A>T (NM_001348060.2); short protein forms D10V, D14V, D43V, D81V.
Identifiers: ClinVar variation 3619277 (VCV003619277.5).

ClinVar aggregate classification (germline): Uncertain significance. Review status: criteria provided, multiple submitters, no conflicts (2 of 4 stars). 3 submissions from 3 submitters: Uncertain significance (3). Last evaluated 2026-08-20.

Conditions:
Warts, hypogammaglobulinemia, infections, and myelokathexis. Also called: WHIM syndrome. Identifiers: MedGen C0472817, MONDO:0023880.

gnomAD v4.1: 3 of 1,614,212 alleles (0.00019%); highest among the groups gnomAD compares: Non-Finnish European, 0.00025%; no homozygotes.

Submissions (3):

GeneDx
Classification: Uncertain significance. Last evaluated: 2026-08-20. Review status: criteria provided, single submitter. Criteria: GeneDx Variant Classification Process June 2021. Collection method: clinical testing. Allele origin: germline.
Comment: In silico analysis suggests that this missense variant does not alter protein structure/function; Has not been previously published as pathogenic or benign to our knowledge

Labcorp Genetics (formerly Invitae), Labcorp
Classification: Uncertain significance for Warts, hypogammaglobulinemia, infections, and myelokathexis. Last evaluated: 2024-02-20. Review status: criteria provided, single submitter. Criteria: Invitae Variant Classification Sherloc (09022015). Collection method: clinical testing. Allele origin: germline.
Comment: This sequence change replaces aspartic acid, which is acidic and polar, with valine, which is neutral and non-polar, at codon 10 of the CXCR4 protein (p.Asp10Val). This variant is present in population databases (no rsID available, gnomAD 0.002%). This variant has not been reported in the literature in individuals affected with CXCR4-related conditions. An algorithm developed to predict the effect of missense changes on protein structure and function (PolyPhen-2) suggests that this variant is likely to be tolerated. In summary, the available evidence is currently insufficient to determine the role of this variant in disease. Therefore, it has been classified as a Variant of Uncertain Significance.

Blueprint Genetics
Classification: Uncertain significance. Last evaluated: 2018-12-05. Review status: criteria provided, single submitter. Criteria: ACMG Guidelines, 2015. Collection method: clinical testing. Allele origin: germline.